The following is an entry in ClinVar:

ClinVar aggregate classification (germline): Uncertain significance (1 of 4 stars; one submission).

gnomAD v4.1: 92 of 1,576,284 alleles (0.0058%); highest among the groups gnomAD compares: Non-Finnish European, 0.0072%; no homozygotes.

Submission:

CeGaT Center for Human Genetics Tuebingen
Classification: Uncertain significance. Last evaluated: 2023-03-01. Review status: criteria provided, single submitter. Criteria: CeGaT Center For Human Genetics Tuebingen Variant Classification Criteria Version 2. Collection method: clinical testing. Allele origin: germline. Affected: yes. Observed: 1 variant allele.
Comment: MAPT: PM2, BP4

NM_001377265.1(MAPT):c.1732+2367C>A

Gene: MAPT (microtubule associated protein tau). Cytogenetic location: 17q21.31.
Variant type: single nucleotide variant.
Coding change: c.1732+2367C>A on transcript NM_001377265.1 (MANE Select); 2367 bases into the intron after coding-DNA position 1732, C replaced by A.
Molecular consequence: intron variant. On other transcripts: missense variant (1).
Genome position (GRCh38, 1-based): chr17:45,993,953, C>A. VCF-style: chr17-45993953-C-A. GRCh37 (hg19) VCF-style: chr17-44071319-C-A.
Other names: c.1537C>A, p.Pro513Thr (NM_001123066.4); c.382+2367C>A (NM_001377268.1, NM_016834.5, NM_016841.5); c.1507+2367C>A (NM_016835.5); c.556+2367C>A (NM_005910.6, NM_001203252.2); c.1534+2367C>A (NM_001377266.1); c.469+2367C>A (NM_001123067.4, NM_001203251.2, NM_001377267.1); short protein forms P513T.
Identifiers: ClinVar variation 2498710 (VCV002498710.28), dbSNP rs267604921, ClinGen allele CA8618002.